The following is an entry in ClinVar:

NR_185838.1(ATXN8OS):n.983T>C

Gene: ATXN8OS (ATXN8 opposite strand lncRNA; plus strand). Cytogenetic location: 13q21.33.
Variant type: single nucleotide variant.
Molecular consequence: non-coding transcript variant (on NR_185838.1).
Genome position: GRCh38 VCF-style: chr13-70147713-T-C. GRCh37 (hg19) VCF-style: chr13-70721845-T-C.
Identifiers: ClinVar variation 2643841 (VCV002643841.24), dbSNP rs138679708, ClinGen allele CA252267877.

ClinVar aggregate classification (germline): Benign (1 of 4 stars; one submission).

Allele frequency attached by ClinVar (database versions not stated): 1000 Genomes Project 0.00040; 1000 Genomes Project 30x 0.00078; TOPMed 0.00344; gnomAD 0.00448.
gnomAD v4.1: 677 of 152,264 alleles (0.44%); highest among the groups gnomAD compares: Middle Eastern, 0.68%; 2 homozygotes.

Submission:

CeGaT Center for Human Genetics Tuebingen
Classification: Benign. Last evaluated: 2022-10-01. Review status: criteria provided, single submitter. Criteria: CeGaT Center For Human Genetics Tuebingen Variant Classification Criteria Version 2. Collection method: clinical testing. Allele origin: germline. Affected: yes. Observed: 1 variant allele.
Comment: ATXN8OS: BS1, BS2